The following is an entry in ClinVar:

ClinVar aggregate classification (germline): Uncertain significance. Review status: criteria provided, multiple submitters, no conflicts (2 of 4 stars). 2 submissions from 2 submitters: Uncertain significance (2). Last evaluated 2024-10-17.

Conditions:
Allan-Herndon-Dudley syndrome (AHDS). Also called: MENTAL RETARDATION AND MUSCULAR ATROPHY; T3 RESISTANCE; TRIIODOTHYRONINE RESISTANCE; ALLAN-HERNDON SYNDROME; Passos-Bueno syndrome. Identifiers: Orphanet 59, MedGen C0795889, MONDO:0010354, OMIM 300523.

Submissions (2):

Women's Health and Genetics/Laboratory Corporation of America, LabCorp
Classification: Uncertain significance. Last evaluated: 2024-10-17. Review status: criteria provided, single submitter. Criteria: LabCorp Variant Classification Summary - May 2015. Collection method: clinical testing. Allele origin: germline.
Comment: Variant summary: SLC16A2 c.334G>C (p.Gly112Arg) results in a non-conservative amino acid change in the encoded protein sequence. Four of five in-silico tools predict a damaging effect of the variant on protein function. The frequency data for this variant in gnomAD is considered unreliable, as metrics indicate poor data quality at this position. To our knowledge, no occurrence of c.334G>C in individuals affected with Allan-Herndon-Dudley Syndrome and no experimental evidence demonstrating its impact on protein function have been reported. ClinVar contains an entry for this variant (Variation ID: 1031053). Based on the evidence outlined above, the variant was classified as uncertain significance.

Baylor Genetics
Classification: Uncertain significance for Allan-Herndon-Dudley syndrome. Last evaluated: 2020-06-18. Review status: criteria provided, single submitter. Criteria: ACMG Guidelines, 2015. Collection method: clinical testing. Allele origin: unknown. Affected: yes.
Comment: This variant was determined to be of uncertain significance according to ACMG Guidelines, 2015 [PMID:25741868].

NM_006517.5(SLC16A2):c.334G>C (p.Gly112Arg)

Gene: SLC16A2 (solute carrier family 16 member 2; plus strand). Cytogenetic location: Xq13.2.
Variant type: single nucleotide variant.
Coding change: c.334G>C on transcript NM_006517.5 (MANE Select); coding-DNA position 334, G replaced by C.
Protein change: p.Gly112Arg; replaces glycine 112 with arginine.
Molecular consequence: missense variant.
Genome position (GRCh38, 1-based): chrX:74,421,971, G>C. VCF-style: chrX-74421971-G-C. GRCh37 (hg19) VCF-style: chrX-73641806-G-C.
Other names: short protein forms G112R.
Identifiers: ClinVar variation 1031053 (VCV001031053.3), dbSNP rs1928309226, ClinGen allele CA413656268.
Genomic context (GRCh38, chrX:74,421,971, plus strand): 5'-TTCCAGCCTCCCGAAGGTGGCTTCGGCTGGGTGGTGGTGTTCGCTGCCACCTGGTGCAAC[G>C]GCTCCATCTTCGGCATCCATAACTCTGTCGGGATCCTCTACTCCATGCTGCTAGAGGAGG-3'
Protein context (NP_006508.2, residues 102-122): VVVFAATWCN[Gly112Arg]SIFGIHNSVG